The following is an entry in ClinVar:

NM_001458.5(FLNC):c.3007A>C (p.Met1003Leu)

Gene: FLNC (filamin C; plus strand). Cytogenetic location: 7q32.1.
Variant type: single nucleotide variant.
Coding change: c.3007A>C on transcript NM_001458.5 (MANE Select); coding-DNA position 3007, A replaced by C.
Protein change: p.Met1003Leu; replaces methionine 1003 with leucine.
Molecular consequence: missense variant.
Genome position (GRCh38, 1-based): chr7:128,844,081, A>C. VCF-style: chr7-128844081-A-C. GRCh37 (hg19) VCF-style: chr7-128484135-A-C.
Other names: c.3007A>C, p.Met1003Leu (NM_001127487.2); short protein forms M1003L.
Identifiers: ClinVar variation 859965 (VCV000859965.11), dbSNP rs1808453806, ClinGen allele CA369193921.

ClinVar aggregate classification (germline): Uncertain significance. Review status: criteria provided, multiple submitters, no conflicts (2 of 4 stars). 3 submissions from 3 submitters: Uncertain significance (3). Last evaluated 2025-05-15.

Conditions:
Myofibrillar myopathy 5. Also called: FILAMINOPATHY, AUTOSOMAL DOMINANT; Filaminopathy (type). Identifiers: Orphanet 171445, MedGen C1836050, MONDO:0012289, OMIM 609524.
Distal myopathy with posterior leg and anterior hand involvement. Also called: WILLIAMS DISTAL MYOPATHY. Identifiers: Orphanet 63273, MedGen C3279722, MONDO:0013550, OMIM 614065.
Hypertrophic cardiomyopathy 26. Also called: Cardiomyopathy, familial hypertrophic, 26. Identifiers: Orphanet 75249, MedGen C4310749, MONDO:0014883, OMIM 617047.
Dilated Cardiomyopathy, Dominant.
Cardiovascular phenotype. Identifiers: MedGen CN230736.

Allele frequency attached by ClinVar (database versions not stated): TOPMed below 0.00001.

Submissions (3):

Ambry Genetics
Classification: Uncertain significance for Cardiovascular phenotype. Last evaluated: 2025-05-15. Review status: criteria provided, single submitter. Criteria: Ambry Variant Classification Scheme 2023. Collection method: clinical testing. Allele origin: germline.
Comment: The p.M1003L variant (also known as c.3007A>C), located in coding exon 20 of the FLNC gene, results from an A to C substitution at nucleotide position 3007. The methionine at codon 1003 is replaced by leucine, an amino acid with highly similar properties. This amino acid position is conserved. In addition, the in silico prediction for this alteration is inconclusive. Based on the available evidence, the clinical significance of this variant remains unclear.

GeneDx
Classification: Uncertain significance. Last evaluated: 2023-01-24. Review status: criteria provided, single submitter. Criteria: GeneDx Variant Classification Process June 2021. Collection method: clinical testing. Allele origin: germline. Affected: yes.
Comment: Not observed at significant frequency in large population cohorts (gnomAD); In silico analysis supports that this missense variant does not alter protein structure/function; In silico analysis suggests this variant may impact gene splicing. In the absence of RNA/functional studies, the actual effect of this sequence change is unknown.; Has not been previously published as pathogenic or benign to our knowledge

Labcorp Genetics (formerly Invitae), Labcorp
Classification: Uncertain significance for Distal myopathy with posterior leg and anterior hand involvement; Myofibrillar myopathy 5; Hypertrophic cardiomyopathy 26. Last evaluated: 2022-12-09. Review status: criteria provided, single submitter. Criteria: Invitae Variant Classification Sherloc (09022015). Collection method: clinical testing. Allele origin: germline.
Comment: Algorithms developed to predict the effect of sequence changes on RNA splicing suggest that this variant may create or strengthen a splice site. In summary, the available evidence is currently insufficient to determine the role of this variant in disease. Therefore, it has been classified as a Variant of Uncertain Significance. Algorithms developed to predict the effect of missense changes on protein structure and function (SIFT, PolyPhen-2, Align-GVGD) all suggest that this variant is likely to be tolerated. ClinVar contains an entry for this variant (Variation ID: 859965). This variant has not been reported in the literature in individuals affected with FLNC-related conditions. This variant is not present in population databases (gnomAD no frequency). This sequence change replaces methionine, which is neutral and non-polar, with leucine, which is neutral and non-polar, at codon 1003 of the FLNC protein (p.Met1003Leu).